The following is an entry in ClinVar:

ClinVar aggregate classification (germline): Benign. Review status: criteria provided, single submitter (1 of 4 stars). 2 submissions from 2 submitters: Benign (1). 1 of the submissions does not count toward it. Last evaluated 2018-06-29.

Allele frequency attached by ClinVar (database versions not stated): ESP Exome Variant Server 0.04995; gnomAD exomes 0.05425 and 0.07570; gnomAD 0.05845 and 0.06220; TOPMed 0.06781; ExAC 0.08823; 1000 Genomes Project 30x 0.10462; 1000 Genomes Project 0.10643.
gnomAD v4.1: 88,294 of 1,590,948 alleles (5.5%); highest among the groups gnomAD compares: East Asian, 15%; 3,519 homozygotes.

Submissions (2):

GeneDx
Classification: Benign. Last evaluated: 2018-06-29. Review status: criteria provided, single submitter. Criteria: GeneDx Variant Classification Process June 2021. Collection method: clinical testing. Allele origin: germline. Affected: yes.

Genetic Services Laboratory, University of Chicago
Classification: Likely benign. Review status: no assertion criteria provided. Collection method: clinical testing. Allele origin: germline. Inheritance: Autosomal dominant inheritance. Not counted in ClinVar's aggregate classification.
Comment: Likely benign based on allele frequency in 1000 Genomes Project or ESP global frequency and its presence in a patient with a rare or unrelated disease phenotype. NOT Sanger confirmed

NM_032119.4(ADGRV1):c.18311-22A>G

Gene: ADGRV1 (adhesion G protein-coupled receptor V1; plus strand). Cytogenetic location: 5q14.3.
Variant type: single nucleotide variant.
Coding change: c.18311-22A>G on transcript NM_032119.4 (MANE Select); 22 bases into the intron before coding-DNA position 18311, A replaced by G.
Molecular consequence: intron variant.
Genome position (GRCh38, 1-based): chr5:91,102,197, A>G. VCF-style: chr5-91102197-A-G. GRCh37 (hg19) VCF-style: chr5-90398014-A-G.
Identifiers: ClinVar variation 158648 (VCV000158648.8), dbSNP rs3749605, ClinGen allele CA172272.